The following is an entry in ClinVar:

ClinVar aggregate classification (germline): Uncertain significance (1 of 4 stars; one submission).

Conditions:
Hypertrophic cardiomyopathy. Also called: HYPERTROPHIC MYOCARDIOPATHY. Identifiers: Orphanet 217569, MedGen C0007194, MeSH D002312, MONDO:0005045, HP:0001639.

Allele frequency attached by ClinVar (database versions not stated): gnomAD exomes below 0.00001; ExAC 0.00001; gnomAD 0.00001; TOPMed 0.00001.

Submission:

Labcorp Genetics (formerly Invitae), Labcorp
Classification: Uncertain significance for Hypertrophic cardiomyopathy. Last evaluated: 2020-08-04. Review status: criteria provided, single submitter. Criteria: Invitae Variant Classification Sherloc (09022015). Collection method: clinical testing. Allele origin: germline.
Comment: In summary, the available evidence is currently insufficient to determine the role of this variant in disease. Therefore, it has been classified as a Variant of Uncertain Significance. Algorithms developed to predict the effect of missense changes on protein structure and function output the following: SIFT: "Tolerated"; PolyPhen-2: "Benign"; Align-GVGD: "Class C0". The threonine amino acid residue is found in multiple mammalian species, suggesting that this missense change does not adversely affect protein function. These predictions have not been confirmed by published functional studies and their clinical significance is uncertain. This variant has not been reported in the literature in individuals with MYOM1-related conditions. This variant is present in population databases (rs777236126, ExAC 0.01%). This sequence change replaces alanine with threonine at codon 87 of the MYOM1 protein (p.Ala87Thr). The alanine residue is weakly conserved and there is a small physicochemical difference between alanine and threonine.

NM_003803.4(MYOM1):c.259G>A (p.Ala87Thr)

Gene: MYOM1 (myomesin 1; minus strand). Cytogenetic location: 18p11.31.
Variant type: single nucleotide variant.
Coding change: c.259G>A on transcript NM_003803.4 (MANE Select); coding-DNA position 259, G replaced by A.
Protein change: p.Ala87Thr; replaces alanine 87 with threonine.
Molecular consequence: missense variant.
Genome position (GRCh38, 1-based): chr18:3,214,965, C>T on the plus strand (G>A on the coding strand, the complement: MYOM1 is on the minus strand). VCF-style: chr18-3214965-C-T. GRCh37 (hg19) VCF-style: chr18-3214963-C-T.
Other names: c.259G>A, p.Ala87Thr (NM_019856.2); short protein forms A87T.
Identifiers: ClinVar variation 1001492 (VCV001001492.8), dbSNP rs777236126, ClinGen allele CA8875312.